The following is an entry in ClinVar:

NM_058216.3(RAD51C):c.572-5T>G

Gene: RAD51C (RAD51 paralog C; plus strand). Cytogenetic location: 17q22.
Variant type: single nucleotide variant.
Coding change: c.572-5T>G on transcript NM_058216.3 (MANE Select); 5 bases into the intron before coding-DNA position 572, T replaced by G.
Molecular consequence: intron variant.
Genome position (GRCh38, 1-based): chr17:58,703,191, T>G. VCF-style: chr17-58703191-T-G. GRCh37 (hg19) VCF-style: chr17-56780552-T-G.
Identifiers: ClinVar variation 3312385 (VCV003312385.1).
Genomic context (GRCh38, chr17:58,703,191, plus strand): 5'-GTTTTTCTACAATTGCCAATACATCCAAACAGGTAAAACTAATTAAGAGTGTTTTGTTGT[T>G]TCAGAACACCGAAAAGCTTTGGAGGATTTCACTCTTGATAATATTCTTTCTCATATTTAT-3'

ClinVar aggregate classification (germline): Uncertain significance (1 of 4 stars; one submission).

Conditions:
Hereditary cancer-predisposing syndrome. Also called: Neoplastic Syndromes, Hereditary; Tumor predisposition; Hereditary neoplastic syndrome; Hereditary Cancer Syndrome. Identifiers: Orphanet 140162, MedGen C0027672, MeSH D009386, MONDO:0015356.

Submission:

Ambry Genetics
Classification: Uncertain significance for Hereditary cancer-predisposing syndrome. Last evaluated: 2024-04-25. Review status: criteria provided, single submitter. Criteria: Ambry Variant Classification Scheme 2023. Collection method: clinical testing. Allele origin: germline.
Comment: The c.572-5T>G intronic variant results from a T to G substitution 5 nucleotides upstream from coding exon 4 in the RAD51C gene. This nucleotide position is highly conserved in available vertebrate species. In silico splice site analysis predicts that this alteration will weaken the native splice acceptor site; however, direct evidence is insufficient at this time (Ambry internal data). Based on the available evidence, the clinical significance of this variant remains unclear.